The following is an entry in ClinVar:

NM_000426.4(LAMA2):c.5006del (p.Glu1669fs)

Gene: LAMA2 (laminin subunit alpha 2; plus strand). Cytogenetic location: 6q22.33.
Variant type: Deletion.
Coding change: c.5006del on transcript NM_000426.4 (MANE Select); coding-DNA position 5006, one base deleted (A; older notation c.5006delA).
Protein change: p.Glu1669fs; shifts the reading frame from glutamic acid 1669.
Molecular consequence: frameshift variant.
Genome position (GRCh38, 1-based): chr6:129,383,168, A deleted. VCF-style (leftmost placement, unchanged base first): chr6-129383167-GA-G. GRCh37 (hg19) VCF-style: chr6-129704312-GA-G.
Other names: c.5006del, p.Glu1669fs (NM_001079823.2); short protein forms E1669fs.
Identifiers: ClinVar variation 5016254 (VCV005016254.1).
Genomic context (GRCh38, chr6:129,383,167, plus strand): 5'-AATTTGGATCATTAGGCTACCAAAGTGACAGCAGATGGCGAGCAGACCGGACAGGATGCT[GA>G]GAGGACCAACACAAGAGCAAAGTCCCTGGGAGAATTCATTAAGGAGCTTGCCCGGGATGC-3'

ClinVar aggregate classification (germline): Pathogenic (1 of 4 stars; one submission).

Conditions:
LAMA2-related muscular dystrophy (LAMA2-RD). Also called: Laminin alpha 2-related dystrophy. Identifiers: MedGen C5679788, MONDO:0100228.

Submission:

Myriad Genetics, Inc.
Classification: Pathogenic for LAMA2-related muscular dystrophy. Last evaluated: 2026-08-19. Review status: criteria provided, single submitter. Criteria: Myriad Autosomal Dominant, Autosomal Recessive and X-Linked Classification Criteria (2023). Collection method: clinical testing. Allele origin: unknown.
Comment: NM_000426.3(LAMA2):c.5006delA(E1669Gfs*24) is expected to be pathogenic in the context of muscular dystrophy, LAMA2-related. This variant is predicted to lead to an abnormal or absent protein product due to the creation of a premature termination codon in LAMA2, a gene where loss-of-function variants are known to be pathogenic. Please note: this variant was assessed in the context of healthy population screening.